The following is an entry in ClinVar:

ClinVar aggregate classification (germline): Pathogenic (1 of 4 stars; one submission).

Conditions:
Autosomal recessive nonsyndromic hearing loss 3. Also called: NEUROSENSORY NONSYNDROMIC RECESSIVE DEAFNESS 3. Identifiers: Orphanet 90636, MedGen C1838263, MONDO:0010860, OMIM 600316.

gnomAD v4.1: 1 of 1,604,530 alleles (0.000062%); no homozygotes.

Submission:

Institute of Rare Diseases, West China Hospital, Sichuan University
Classification: Pathogenic for Autosomal recessive nonsyndromic hearing loss 3. Last evaluated: 2025-01-09. Review status: criteria provided, single submitter. Criteria: ClinGen HL ACMG Specifications v1. Collection method: research. Allele origin: germline. Affected: yes.
Comment: PVS1;PM3;PM2_Supporting

NM_016239.4(MYO15A):c.10021C>T (p.Gln3341Ter)

Gene: MYO15A (myosin XVA; plus strand). Cytogenetic location: 17p11.2.
Variant type: single nucleotide variant.
Coding change: c.10021C>T on transcript NM_016239.4 (MANE Select); coding-DNA position 10021, C replaced by T.
Protein change: p.Gln3341Ter; replaces glutamine 3341 with a stop codon.
Molecular consequence: nonsense.
Genome position (GRCh38, 1-based): chr17:18,167,662, C>T. VCF-style: chr17-18167662-C-T. GRCh37 (hg19) VCF-style: chr17-18070976-C-T.
Other names: short protein forms Q3341*.
Identifiers: ClinVar variation 3601293 (VCV003601293.1).